The following is an entry in ClinVar:

NM_139057.4(ADAMTS17):c.1853A>G (p.Lys618Arg)

Gene: ADAMTS17 (ADAM metallopeptidase with thrombospondin type 1 motif 17; minus strand). Cytogenetic location: 15q26.3.
Variant type: single nucleotide variant.
Coding change: c.1853A>G on transcript NM_139057.4 (MANE Select); coding-DNA position 1853, A replaced by G.
Protein change: p.Lys618Arg; replaces lysine 618 with arginine.
Molecular consequence: missense variant.
Genome position (GRCh38, 1-based): chr15:100,116,882, T>C on the plus strand (A>G on the coding strand, the complement: ADAMTS17 is on the minus strand). VCF-style: chr15-100116882-T-C. GRCh37 (hg19) VCF-style: chr15-100657087-T-C.
Other names: short protein forms K618R.
Identifiers: ClinVar variation 2098027 (VCV002098027.1), dbSNP rs935727544, ClinGen allele CA275484717.

ClinVar aggregate classification (germline): Uncertain significance (1 of 4 stars; one submission).

Allele frequency attached by ClinVar (database versions not stated): gnomAD exomes below 0.00001; TOPMed 0.00001.
gnomAD v4.1: 1 of 1,614,186 alleles (0.000062%); highest among the groups gnomAD compares: Non-Finnish European, 0.000085%; no homozygotes.

Submission:

Labcorp Genetics (formerly Invitae), Labcorp
Classification: Uncertain significance. Last evaluated: 2022-02-17. Review status: criteria provided, single submitter. Criteria: Invitae Variant Classification Sherloc (09022015). Collection method: clinical testing. Allele origin: germline.
Comment: This sequence change replaces lysine, which is basic and polar, with arginine, which is basic and polar, at codon 618 of the ADAMTS17 protein (p.Lys618Arg). This variant is not present in population databases (gnomAD no frequency). This variant has not been reported in the literature in individuals affected with ADAMTS17-related conditions. Algorithms developed to predict the effect of missense changes on protein structure and function output the following: SIFT: "Not Available"; PolyPhen-2: "Benign"; Align-GVGD: "Not Available". The arginine amino acid residue is found in multiple mammalian species, which suggests that this missense change does not adversely affect protein function. Algorithms developed to predict the effect of sequence changes on RNA splicing suggest that this variant is not likely to affect RNA splicing. In summary, the available evidence is currently insufficient to determine the role of this variant in disease. Therefore, it has been classified as a Variant of Uncertain Significance.